The following is an entry in ClinVar:

ClinVar aggregate classification (germline): Uncertain significance (1 of 4 stars; one submission).

Conditions:
Hereditary cancer-predisposing syndrome. Also called: Tumor predisposition; Neoplastic Syndromes, Hereditary; Hereditary neoplastic syndrome; Hereditary Cancer Syndrome. Identifiers: Orphanet 140162, MedGen C0027672, MeSH D009386, MONDO:0015356.

Submission:

Ambry Genetics
Classification: Uncertain significance for Hereditary cancer-predisposing syndrome. Last evaluated: 2025-08-27. Review status: criteria provided, single submitter. Criteria: Ambry Variant Classification Scheme 2023. Collection method: clinical testing. Allele origin: germline.
Comment: The p.T336S variant (also known as c.1007C>G), located in coding exon 12 of the MUTYH gene, results from a C to G substitution at nucleotide position 1007. The threonine at codon 336 is replaced by serine, an amino acid with similar properties. This amino acid position is conserved. In addition, this alteration is predicted to be tolerated by in silico analysis. Based on the available evidence, the clinical significance of this variant remains unclear.

NM_001048174.2(MUTYH):c.923C>G (p.Thr308Ser)

Gene: MUTYH (mutY DNA glycosylase; minus strand). Cytogenetic location: 1p34.1.
Variant type: single nucleotide variant.
Coding change: c.923C>G on transcript NM_001048174.2 (MANE Select); coding-DNA position 923, C replaced by G.
Protein change: p.Thr308Ser; replaces threonine 308 with serine.
Molecular consequence: missense variant. On other transcripts: non-coding transcript variant (7).
Genome position (GRCh38, 1-based): chr1:45,331,840, G>C on the plus strand (C>G on the coding strand, the complement: MUTYH is on the minus strand). VCF-style: chr1-45331840-G-C. GRCh37 (hg19) VCF-style: chr1-45797512-G-C.
Other names: c.926C>G, p.Thr309Ser (NM_001048172.2, NM_001407078.1, NM_001407086.1 and 1 more transcripts); c.923C>G, p.Thr308Ser (NM_001048173.2, NM_001293195.2, NM_001407081.1 and 6 more transcripts); c.1007C>G, p.Thr336Ser (NM_001128425.2); c.968C>G, p.Thr323Ser (NM_001293190.2); c.956C>G, p.Thr319Ser (NM_001293191.2, NM_001407069.1, NM_001407077.1); c.647C>G, p.Thr216Ser (NM_001293192.2, NM_001407091.1, NM_001293196.2); c.884C>G, p.Thr295Ser (NM_001407079.1); c.881C>G, p.Thr294Ser (NM_001407080.1); and 5 more; short protein forms T315S, T322S, T336S, T308S, T309S, T319S, T280S, T294S.
Identifiers: ClinVar variation 4112916 (VCV004112916.1).